The following is an entry in ClinVar:

ClinVar aggregate classification (germline): Uncertain significance (1 of 4 stars; one submission).

Allele frequency attached by ClinVar (database versions not stated): gnomAD 0.00001; ExAC 0.00002; 1000 Genomes Project 30x 0.00016; 1000 Genomes Project 0.00020.
gnomAD v4.1: 5 of 1,614,114 alleles (0.00031%); highest among the groups gnomAD compares: Non-Finnish European, 0.00042%; no homozygotes.

Submission:

Labcorp Genetics (formerly Invitae), Labcorp
Classification: Uncertain significance. Last evaluated: 2024-02-17. Review status: criteria provided, single submitter. Criteria: Invitae Variant Classification Sherloc (09022015). Collection method: clinical testing. Allele origin: germline.
Comment: This sequence change replaces serine, which is neutral and polar, with tyrosine, which is neutral and polar, at codon 2818 of the PCNT protein (p.Ser2818Tyr). This variant is present in population databases (rs200878443, gnomAD 0.003%). This variant has not been reported in the literature in individuals affected with PCNT-related conditions. ClinVar contains an entry for this variant (Variation ID: 1377520). An algorithm developed to predict the effect of missense changes on protein structure and function (PolyPhen-2) suggests that this variant is likely to be disruptive. In summary, the available evidence is currently insufficient to determine the role of this variant in disease. Therefore, it has been classified as a Variant of Uncertain Significance.

NM_006031.6(PCNT):c.8453C>A (p.Ser2818Tyr)

Gene: PCNT (pericentrin; plus strand). Cytogenetic location: 21q22.3.
Variant type: single nucleotide variant.
Coding change: c.8453C>A on transcript NM_006031.6 (MANE Select); coding-DNA position 8453, C replaced by A.
Protein change: p.Ser2818Tyr; replaces serine 2818 with tyrosine.
Molecular consequence: missense variant.
Genome position (GRCh38, 1-based): chr21:46,431,917, C>A. VCF-style: chr21-46431917-C-A. GRCh37 (hg19) VCF-style: chr21-47851831-C-A.
Other names: c.8099C>A, p.Ser2700Tyr (NM_001315529.2); short protein forms S2700Y, S2818Y.
Identifiers: ClinVar variation 1377520 (VCV001377520.6), dbSNP rs200878443, ClinGen allele CA10080969.